The following is an entry in ClinVar:

ClinVar aggregate classification (germline): Uncertain significance (1 of 4 stars; one submission).

Allele frequency attached by ClinVar (database versions not stated): gnomAD exomes below 0.00001; ExAC 0.00001; gnomAD 0.00001.

Submission:

Labcorp Genetics (formerly Invitae), Labcorp
Classification: Uncertain significance. Last evaluated: 2024-04-09. Review status: criteria provided, single submitter. Criteria: Invitae Variant Classification Sherloc (09022015). Collection method: clinical testing. Allele origin: germline.
Comment: This sequence change replaces proline, which is neutral and non-polar, with leucine, which is neutral and non-polar, at codon 198 of the TOPORS protein (p.Pro198Leu). The frequency data for this variant in the population databases is considered unreliable, as metrics indicate poor data quality at this position in the gnomAD database. This variant has not been reported in the literature in individuals affected with TOPORS-related conditions. ClinVar contains an entry for this variant (Variation ID: 1928620). An algorithm developed to predict the effect of missense changes on protein structure and function (PolyPhen-2) suggests that this variant is likely to be tolerated. In summary, the available evidence is currently insufficient to determine the role of this variant in disease. Therefore, it has been classified as a Variant of Uncertain Significance.

NM_005802.5(TOPORS):c.593C>T (p.Pro198Leu)

Gene: TOPORS (TOP1 binding arginine/serine rich protein, E3 ubiquitin ligase; minus strand). Cytogenetic location: 9p21.1.
Variant type: single nucleotide variant.
Coding change: c.593C>T on transcript NM_005802.5 (MANE Select); coding-DNA position 593, C replaced by T.
Protein change: p.Pro198Leu; replaces proline 198 with leucine.
Molecular consequence: missense variant.
Genome position (GRCh38, 1-based): chr9:32,543,932, G>A on the plus strand (C>T on the coding strand, the complement: TOPORS is on the minus strand). VCF-style: chr9-32543932-G-A. GRCh37 (hg19) VCF-style: chr9-32543930-G-A.
Other names: c.398C>T, p.Pro133Leu (NM_001195622.2); short protein forms P198L, P133L.
Identifiers: ClinVar variation 1928620 (VCV001928620.5), dbSNP rs759218272, ClinGen allele CA5020624.